The following is an entry in ClinVar:

ClinVar aggregate classification (germline): Pathogenic (1 of 4 stars; one submission).

Conditions:
Hereditary cancer-predisposing syndrome. Also called: Tumor predisposition; Hereditary neoplastic syndrome; Neoplastic Syndromes, Hereditary; Hereditary Cancer Syndrome. Identifiers: Orphanet 140162, MedGen C0027672, MeSH D009386, MONDO:0015356.

Submission:

Color Diagnostics, LLC DBA Color Health
Classification: Pathogenic for Hereditary cancer-predisposing syndrome. Last evaluated: 2020-01-15. Review status: criteria provided, single submitter. Criteria: ACMG Guidelines, 2015. Collection method: clinical testing. Allele origin: germline.
Comment: This variant changes 1 nucleotide in exon 43 of the ATM gene, creating a premature translation stop signal. This variant is expected to result in an absent or non-functional protein product. This variant has not been identified in the general population by the Genome Aggregation Database (gnomAD). Loss of ATM function is a known mechanism of disease. Based on the available evidence, this variant is classified as Pathogenic.

NM_000051.4(ATM):c.6258T>G (p.Tyr2086Ter)

Genes: ATM (ATM serine/threonine kinase; plus strand), C11orf65 (chromosome 11 open reading frame 65; minus strand). Cytogenetic location: 11q22.3.
Variant type: single nucleotide variant.
Coding change: c.6258T>G on transcript NM_000051.4 (MANE Select); coding-DNA position 6258, T replaced by G.
Protein change: p.Tyr2086Ter; replaces tyrosine 2086 with a stop codon.
Molecular consequence: nonsense. On other transcripts: intron variant (2).
Genome position (GRCh38, 1-based): chr11:108,317,432, T>G. VCF-style: chr11-108317432-T-G. GRCh37 (hg19) VCF-style: chr11-108188159-T-G.
Other names: c.6258T>G, p.Tyr2086Ter (NM_001351834.2); c.641-8361A>C (NM_001330368.2); c.*39-8361A>C (NM_001351110.2); short protein forms Y2086*.
Identifiers: ClinVar variation 628950 (VCV000628950.6), dbSNP rs1565502999, ClinGen allele CA382551870.
Genomic context (GRCh38, chr11:108,317,432, plus strand): 5'-GGCCTTGCAGAATTTGGGACTCTGCCATATTCTTTCCGTCTATTTAAAAGGATTGGATTA[T>G]GAAAATAAAGACTGGTGTCCTGAACTAGAAGAACTTCATTACCAAGCAGCATGGAGGAAT-3'